The following is an entry in ClinVar:

NM_001194998.2(CEP152):c.3663A>C (p.Leu1221Phe)

Gene: CEP152 (centrosomal protein 152; minus strand). Cytogenetic location: 15q21.1.
Variant type: single nucleotide variant.
Coding change: c.3663A>C on transcript NM_001194998.2 (MANE Select); coding-DNA position 3663, A replaced by C.
Protein change: p.Leu1221Phe; replaces leucine 1221 with phenylalanine.
Molecular consequence: missense variant.
Genome position (GRCh38, 1-based): chr15:48,744,964, T>G on the plus strand (A>C on the coding strand, the complement: CEP152 is on the minus strand). VCF-style: chr15-48744964-T-G. GRCh37 (hg19) VCF-style: chr15-49037161-T-G.
Other names: c.3495A>C, p.Leu1165Phe (NM_014985.4); short protein forms L1221F, L1165F.
Identifiers: ClinVar variation 3490530 (VCV003490530.3).

ClinVar aggregate classification (germline): Uncertain significance. Review status: criteria provided, multiple submitters, no conflicts (2 of 4 stars). 2 submissions from 2 submitters: Uncertain significance (2). Last evaluated 2024-10-27.

Conditions:
Inborn genetic diseases. Identifiers: MedGen C0950123, MeSH D030342.

gnomAD v4.1: 88 of 1,608,510 alleles (0.0055%); highest among the groups gnomAD compares: Non-Finnish European, 0.0072%; no homozygotes.

Submissions (2):

Labcorp Genetics (formerly Invitae), Labcorp
Classification: Uncertain significance. Last evaluated: 2024-10-27. Review status: criteria provided, single submitter. Criteria: Invitae Variant Classification Sherloc (09022015). Collection method: clinical testing. Allele origin: germline.
Comment: This sequence change replaces leucine, which is neutral and non-polar, with phenylalanine, which is neutral and non-polar, at codon 1165 of the CEP152 protein (p.Leu1165Phe). This variant is present in population databases (rs757720322, gnomAD 0.002%). This variant has not been reported in the literature in individuals affected with CEP152-related conditions. Invitae Evidence Modeling of protein sequence and biophysical properties (such as structural, functional, and spatial information, amino acid conservation, physicochemical variation, residue mobility, and thermodynamic stability) indicates that this missense variant is not expected to disrupt CEP152 protein function with a negative predictive value of 80%. In summary, the available evidence is currently insufficient to determine the role of this variant in disease. Therefore, it has been classified as a Variant of Uncertain Significance.

Ambry Genetics
Classification: Uncertain significance for Inborn genetic diseases. Last evaluated: 2024-08-28. Review status: criteria provided, single submitter. Criteria: Ambry Variant Classification Scheme 2023. Collection method: clinical testing. Allele origin: germline.